The following is an entry in ClinVar:

NM_001384474.1(LOXHD1):c.5408G>A (p.Arg1803Gln)

Gene: LOXHD1 (lipoxygenase homology PLAT domains 1; minus strand). Cytogenetic location: 18q21.1.
Variant type: single nucleotide variant.
Coding change: c.5408G>A on transcript NM_001384474.1 (MANE Select); coding-DNA position 5408, G replaced by A.
Protein change: p.Arg1803Gln; replaces arginine 1803 with glutamine.
Molecular consequence: missense variant.
Genome position (GRCh38, 1-based): chr18:46,509,807, C>T on the plus strand (G>A on the coding strand, the complement: LOXHD1 is on the minus strand). VCF-style: chr18-46509807-C-T. GRCh37 (hg19) VCF-style: chr18-44089770-C-T.
Other names: c.2075G>A, p.Arg692Gln (NM_001145472.3); c.125G>A, p.Arg42Gln (NM_001145473.3, NM_001173129.2); c.1787G>A, p.Arg596Gln (NM_001308013.2); c.5222G>A, p.Arg1741Gln (NM_144612.7); short protein forms R42Q, R1741Q, R692Q, R1803Q, R596Q.
Identifiers: ClinVar variation 2525487 (VCV002525487.3), dbSNP rs750946496, ClinGen allele CA8952199.
Genomic context (GRCh38, chr18:46,509,807, plus strand): 5'-CGCATCTTGGTGAATGGAGCAATGTCTAGGATCTCCATGATGAAGGTGTCGTTCTGCTCC[C>T]GCTCAAACCTGGGGGTGGAGAGGAGGGGCATGAAGAAGGGAAGCTGGCCATTGGGGAGGG-3'
Protein context (NP_001371403.1, residues 1793-1813): QLDKKKARFE[Arg1803Gln]EQNDTFIMEI

ClinVar aggregate classification (germline): Uncertain significance. Review status: criteria provided, multiple submitters, no conflicts (2 of 4 stars). 2 submissions from 2 submitters: Uncertain significance (2). Last evaluated 2025-01-22.

Conditions:
LOXHD1-related disorder. Also called: LOXHD1-related condition.
Inborn genetic diseases. Identifiers: MedGen C0950123, MeSH D030342.

Allele frequency attached by ClinVar (database versions not stated): TOPMed 0.00001; gnomAD 0.00002; gnomAD exomes 0.00002; ExAC 0.00004.
gnomAD v4.1: 27 of 1,548,854 alleles (0.0017%); highest among the groups gnomAD compares: East Asian, 0.0024%; no homozygotes.

Submissions (2):

PreventionGenetics, part of Exact Sciences
Classification: Uncertain significance for LOXHD1-related condition. Last evaluated: 2025-01-22. Review status: criteria provided, single submitter. Criteria: ACMG Guidelines, 2015. Collection method: clinical testing. Allele origin: germline.
Comment: The LOXHD1 c.5222G>A variant is predicted to result in the amino acid substitution p.Arg1741Gln. To our knowledge, this variant has not been reported in the literature. This variant is reported in 0.0088% of alleles in individuals of East Asian descent in gnomAD. At this time, the clinical significance of this variant is uncertain due to the absence of conclusive functional and genetic evidence.

Ambry Genetics
Classification: Uncertain significance for Inborn genetic diseases. Last evaluated: 2023-06-06. Review status: criteria provided, single submitter. Criteria: Ambry Variant Classification Scheme 2023. Collection method: clinical testing. Allele origin: germline.